The following is an entry in ClinVar:

ClinVar aggregate classification (germline): Uncertain significance. Review status: criteria provided, multiple submitters, no conflicts (2 of 4 stars). 3 submissions from 3 submitters: Uncertain significance (3). Last evaluated 2025-03-04.

Conditions:
Charcot-Marie-Tooth disease axonal type 2F (CMT2F). Also called: CHARCOT-MARIE-TOOTH DISEASE, NEURONAL, TYPE 2F; Charcot-Marie-Tooth Neuropathy Type 2F. Identifiers: Orphanet 99940, MedGen C1847823, MONDO:0011687, OMIM 606595.
Neuronopathy, distal hereditary motor, type 2B. Also called: NEURONOPATHY, DISTAL HEREDITARY MOTOR, AUTOSOMAL DOMINANT 3; NEURONOPATHY, DISTAL HEREDITARY MOTOR, HARDING TYPE IIB; NEUROPATHY, DISTAL HEREDITARY MOTOR, HARDING TYPE IIB; HMN IIB. Identifiers: Orphanet 139525, MedGen C2608087, MONDO:0012080, OMIM 608634.

Allele frequency attached by ClinVar (database versions not stated): TOPMed below 0.00001; gnomAD 0.00001.
gnomAD v4.1: 17 of 1,613,446 alleles (0.0011%); highest among the groups gnomAD compares: Non-Finnish European, 0.0014%; no homozygotes.

Submissions (3):

Institute of Human Genetics, University of Leipzig Medical Center
Classification: Uncertain significance for Neuronopathy, distal hereditary motor, type 2B. Last evaluated: 2025-03-04. Review status: criteria provided, single submitter. Criteria: ACMG Guidelines, 2015. Collection method: clinical testing. Allele origin: unknown. Inheritance: Autosomal dominant inheritance. Affected: yes.
Comment: Criteria applied: PM5,PS4_SUP,PM1_SUP,PM2_SUP

Labcorp Genetics (formerly Invitae), Labcorp
Classification: Uncertain significance for Charcot-Marie-Tooth disease axonal type 2F. Last evaluated: 2024-02-24. Review status: criteria provided, single submitter. Criteria: Invitae Variant Classification Sherloc (09022015). Collection method: clinical testing. Allele origin: germline.
Comment: This sequence change replaces threonine, which is neutral and polar, with proline, which is neutral and non-polar, at codon 151 of the HSPB1 protein (p.Thr151Pro). This variant is present in population databases (no rsID available, gnomAD 0.002%). This missense change has been observed in individual(s) with amyotrophic lateral sclerosis (PMID: 33509756). ClinVar contains an entry for this variant (Variation ID: 465275). Advanced modeling of protein sequence and biophysical properties (such as structural, functional, and spatial information, amino acid conservation, physicochemical variation, residue mobility, and thermodynamic stability) has been performed at Invitae for this missense variant, however the output from this modeling did not meet the statistical confidence thresholds required to predict the impact of this variant on HSPB1 protein function. In summary, the available evidence is currently insufficient to determine the role of this variant in disease. Therefore, it has been classified as a Variant of Uncertain Significance.

CeGaT Center for Human Genetics Tuebingen
Classification: Uncertain significance. Last evaluated: 2022-07-01. Review status: criteria provided, single submitter. Criteria: CeGaT Center For Human Genetics Tuebingen Variant Classification Criteria Version 2. Collection method: clinical testing. Allele origin: germline. Affected: yes. Observed: 1 variant allele.
Comment: HSPB1: PM1, PM2

Literature cited by the submitters: PubMed 33509756 (cited by Labcorp Genetics (formerly Invitae), Labcorp).

NM_001540.5(HSPB1):c.451A>C (p.Thr151Pro)

Gene: HSPB1 (heat shock protein family B (small) member 1; plus strand). Cytogenetic location: 7q11.23.
Variant type: single nucleotide variant.
Coding change: c.451A>C on transcript NM_001540.5 (MANE Select); coding-DNA position 451, A replaced by C.
Protein change: p.Thr151Pro; replaces threonine 151 with proline.
Molecular consequence: missense variant.
Genome position (GRCh38, 1-based): chr7:76,304,006, A>C. VCF-style: chr7-76304006-A-C. GRCh37 (hg19) VCF-style: chr7-75933323-A-C.
Other names: c.451A>C (LRG_248t1); short protein forms T151P.
Identifiers: ClinVar variation 465275 (VCV000465275.33), dbSNP rs771232749, ClinGen allele CA160901747.